The following is an entry in ClinVar:

ClinVar aggregate classification (germline): Uncertain significance. Review status: criteria provided, multiple submitters, no conflicts (2 of 4 stars). 5 submissions from 5 submitters: Uncertain significance (4). 1 of the submissions does not count toward it. Last evaluated 2025-11-26.

Conditions:
GABRB3-related disorder. Also called: GABRB3-related condition.
Epilepsy, childhood absence, susceptibility to, 1. Also called: Epilepsy, childhood absence 1. Identifiers: Orphanet 64280, MedGen C1838604, MONDO:0020759, OMIM 600131.
Epilepsy, childhood absence, susceptibility to, 5. Identifiers: Orphanet 64280, MedGen C2677087, MONDO:0012843, OMIM 612269.

Submissions (5):

PreventionGenetics, part of Exact Sciences
Classification: Uncertain significance for GABRB3-related condition. Last evaluated: 2025-11-26. Review status: criteria provided, single submitter. Criteria: ACMG Guidelines, 2015. Collection method: clinical testing. Allele origin: germline.
Comment: The GABRB3 c.94G>A variant is predicted to result in the amino acid substitution p.Gly32Arg. This variant has been reported in individuals and family members with GABRB3-related disorders (Tanaka et al. 2008. PubMed ID: 18514161; Supplemental Table 2, Ji et al. 2019. PubMed ID: 30755392). This variant is not reported in a large population database (gnomAD v2.1.1); however, the quality of this data is questionable and should be treated with caution. The results of experimental studies of this variant are conflicting (Tanaka et al. 2008. PubMed ID: 18514161; Gurba et al. 2012. PubMed ID: 22303015; Absalom et al. 2022. PubMed ID: 35383156). At this time, the clinical significance of this variant is uncertain due to the absence of conclusive functional and genetic evidence.

Labcorp Genetics (formerly Invitae), Labcorp
Classification: Uncertain significance for Epilepsy, childhood absence, susceptibility to, 5; Epilepsy, childhood absence, susceptibility to, 1. Last evaluated: 2025-11-15. Review status: criteria provided, single submitter. Criteria: Invitae Variant Classification Sherloc (09022015). Collection method: clinical testing. Allele origin: germline.
Comment: This sequence change replaces glycine, which is neutral and non-polar, with arginine, which is basic and polar, at codon 32 of the GABRB3 protein (p.Gly32Arg). This variant is not present in population databases (gnomAD no frequency). This missense change has been observed in individuals with clinical features of GABRB3-related conditions (PMID: 18514161; internal data). ClinVar contains an entry for this variant (Variation ID: 16193). Invitae Evidence Modeling of protein sequence and biophysical properties (such as structural, functional, and spatial information, amino acid conservation, physicochemical variation, residue mobility, and thermodynamic stability) indicates that this missense variant is not expected to disrupt GABRB3 protein function with a negative predictive value of 95%. Experimental studies are conflicting or provide insufficient evidence to determine the effect of this variant on GABRB3 function (PMID: 18514161, 22303015, 35383156). In summary, the available evidence is currently insufficient to determine the role of this variant in disease. Therefore, it has been classified as a Variant of Uncertain Significance.

GeneDx
Classification: Uncertain significance. Last evaluated: 2023-12-02. Review status: criteria provided, single submitter. Criteria: GeneDx Variant Classification Process June 2021. Collection method: clinical testing. Allele origin: germline. Affected: yes.
Comment: Reported in a family with epilepsy, but also seen in unaffected family members (PMID: 18514161); Not observed at significant frequency in large population cohorts (gnomAD); In silico analysis supports that this missense variant does not alter protein structure/function; This variant is associated with the following publications: (PMID: 23934645, 19717338, 29390378, 26950270, 22765836, 20308251, 20352446, 22206818, 26645412, 30755392, 35383156, 22303015, 31435640, 18514161)

Center for Personalized Medicine, Children's Hospital Los Angeles
Classification: Uncertain significance. Last evaluated: 2018-11-19. Review status: criteria provided, single submitter. Criteria: ACMG Guidelines, 2015. Collection method: clinical testing. Allele origin: germline. Affected: yes.

OMIM
Classification: risk factor for EPILEPSY, CHILDHOOD ABSENCE, SUSCEPTIBILITY TO, 5. Last evaluated: 2008-06-01. Review status: no assertion criteria provided. Collection method: literature only. Allele origin: germline. Not counted in ClinVar's aggregate classification.

Literature cited by the submitters: PubMed 18514161 (cited by Labcorp Genetics (formerly Invitae), Labcorp and OMIM); PubMed 22303015 (cited by Labcorp Genetics (formerly Invitae), Labcorp); PubMed 35383156 (cited by Labcorp Genetics (formerly Invitae), Labcorp).

NM_000814.6(GABRB3):c.94G>A (p.Gly32Arg)

Gene: GABRB3 (gamma-aminobutyric acid type A receptor subunit beta3; minus strand). Cytogenetic location: 15q12.
Variant type: single nucleotide variant.
Coding change: c.94G>A on transcript NM_000814.6 (MANE Select); coding-DNA position 94, G replaced by A.
Protein change: p.Gly32Arg; replaces glycine 32 with arginine.
Molecular consequence: missense variant. On other transcripts: 5 prime UTR variant (1).
Genome position (GRCh38, 1-based): chr15:26,772,759, C>T on the plus strand (G>A on the coding strand, the complement: GABRB3 is on the minus strand). VCF-style: chr15-26772759-C-T. GRCh37 (hg19) VCF-style: chr15-27017906-C-T.
Other names: c.-258G>A (NM_001278631.2); c.94G>A, p.Gly32Arg (NM_021912.5); short protein forms G32R.
Identifiers: ClinVar variation 16193 (VCV000016193.12), dbSNP rs71651682, ClinGen allele CA214946.